The following is an entry in ClinVar:

ClinVar aggregate classification (germline): Uncertain significance (1 of 4 stars; one submission).

Allele frequency attached by ClinVar (database versions not stated): TOPMed below 0.00001.

Submission:

GeneDx
Classification: Uncertain significance. Last evaluated: 2023-11-01. Review status: criteria provided, single submitter. Criteria: GeneDx Variant Classification Process June 2021. Collection method: clinical testing. Allele origin: germline. Affected: yes.
Comment: Not observed at significant frequency in large population cohorts (gnomAD); In silico analysis supports that this missense variant does not alter protein structure/function; Has not been previously published as pathogenic or benign to our knowledge

NM_004187.5(KDM5C):c.2899G>A (p.Asp967Asn)

Gene: KDM5C (lysine demethylase 5C; minus strand). Cytogenetic location: Xp11.22.
Variant type: single nucleotide variant.
Coding change: c.2899G>A on transcript NM_004187.5 (MANE Select); coding-DNA position 2899, G replaced by A.
Protein change: p.Asp967Asn; replaces aspartic acid 967 with asparagine.
Molecular consequence: missense variant. On other transcripts: non-coding transcript variant (3).
Genome position (GRCh38, 1-based): chrX:53,196,768, C>T on the plus strand (G>A on the coding strand, the complement: KDM5C is on the minus strand). VCF-style: chrX-53196768-C-T. GRCh37 (hg19) VCF-style: chrX-53225950-C-T.
Other names: c.2698G>A, p.Asp900Asn (NM_001146702.2); c.2896G>A, p.Asp966Asn (NM_001282622.3, NM_001353979.2, NM_001353982.2); c.2899G>A, p.Asp967Asn (NM_001353978.3, NM_001353981.2, NM_001353984.2); short protein forms D900N, D966N, D967N.
Identifiers: ClinVar variation 2663003 (VCV002663003.1), dbSNP rs1934886607, ClinGen allele CA413112367.